The following is an entry in ClinVar:

ClinVar aggregate classification (germline): Uncertain significance. Review status: criteria provided, multiple submitters, no conflicts (2 of 4 stars). 2 submissions from 2 submitters: Uncertain significance (2). Last evaluated 2026-01-17.

Conditions:
Gorlin syndrome. Also called: Nevoid Basal Cell Carcinoma Syndrome; Basal cell nevus syndrome. Identifiers: Orphanet 377, MedGen C0004779, MONDO:0007187.
Hereditary cancer-predisposing syndrome. Also called: Tumor predisposition; Hereditary neoplastic syndrome; Hereditary Cancer Syndrome; Neoplastic Syndromes, Hereditary. Identifiers: Orphanet 140162, MedGen C0027672, MeSH D009386, MONDO:0015356.

Allele frequency attached by ClinVar (database versions not stated): gnomAD exomes below 0.00001.
gnomAD v4.1: 1 of 1,613,958 alleles (0.000062%); highest among the groups gnomAD compares: Admixed American, 0.0017%; no homozygotes.

Submissions (2):

Ambry Genetics
Classification: Uncertain significance for Hereditary cancer-predisposing syndrome. Last evaluated: 2026-01-17. Review status: criteria provided, single submitter. Criteria: Ambry Variant Classification Scheme 2023. Collection method: clinical testing. Allele origin: germline.
Comment: The p.V625D variant (also known as c.1874T>A), located in coding exon 14 of the PTCH1 gene, results from a T to A substitution at nucleotide position 1874. The valine at codon 625 is replaced by aspartic acid, an amino acid with highly dissimilar properties. This amino acid position is conserved. In addition, the in silico prediction for this alteration is inconclusive. Based on the available evidence, the clinical significance of this variant remains unclear.

Labcorp Genetics (formerly Invitae), Labcorp
Classification: Uncertain significance for Gorlin syndrome. Last evaluated: 2019-10-27. Review status: criteria provided, single submitter. Criteria: Invitae Variant Classification Sherloc (09022015). Collection method: clinical testing. Allele origin: germline.
Comment: In summary, the available evidence is currently insufficient to determine the role of this variant in disease. Therefore, it has been classified as a Variant of Uncertain Significance. Algorithms developed to predict the effect of missense changes on protein structure and function are either unavailable or do not agree on the potential impact of this missense change (SIFT: "Deleterious"; PolyPhen-2: "Benign"; Align-GVGD: "Class C0"). This variant has not been reported in the literature in individuals with PTCH1-related conditions. This variant is not present in population databases (ExAC no frequency). This sequence change replaces valine with aspartic acid at codon 625 of the PTCH1 protein (p.Val625Asp). The valine residue is weakly conserved and there is a large physicochemical difference between valine and aspartic acid.

NM_000264.5(PTCH1):c.1874T>A (p.Val625Asp)

Genes: PTCH1 (patched 1; minus strand), LOC100507346 (uncharacterized LOC100507346; plus strand). Cytogenetic location: 9q22.32.
Variant type: single nucleotide variant.
Coding change: c.1874T>A on transcript NM_000264.5 (MANE Select); coding-DNA position 1874, T replaced by A.
Protein change: p.Val625Asp; replaces valine 625 with aspartic acid.
Molecular consequence: missense variant. On other transcripts: non-coding transcript variant (2).
Genome position (GRCh38, 1-based): chr9:95,469,127, A>T on the plus strand (T>A on the coding strand, the complement: PTCH1 is on the minus strand). VCF-style: chr9-95469127-A-T. GRCh37 (hg19) VCF-style: chr9-98231409-A-T.
Other names: c.1676T>A, p.Val559Asp (NM_001083602.3); c.1871T>A, p.Val624Asp (NM_001083603.3); c.1421T>A, p.Val474Asp (NM_001083604.3, NM_001083605.3, NM_001083606.3 and 1 more transcripts); c.1718T>A, p.Val573Asp (NM_001354918.2); short protein forms V559D, V573D, V625D, V474D, V624D.
Identifiers: ClinVar variation 967201 (VCV000967201.11), dbSNP rs1175793715, ClinGen allele CA374116142.